The following is an entry in ClinVar:

NM_006073.4(TRDN):c.1273+1G>A

Gene: TRDN (triadin; minus strand). Cytogenetic location: 6q22.31.
Variant type: single nucleotide variant.
Coding change: c.1273+1G>A on transcript NM_006073.4 (MANE Select); the canonical splice donor site of the intron after coding-DNA position 1273, G replaced by A.
Molecular consequence: splice donor variant.
Genome position (GRCh38, 1-based): chr6:123,375,604, C>T on the plus strand (G>A on the coding strand, the complement: TRDN is on the minus strand). VCF-style: chr6-123375604-C-T. GRCh37 (hg19) VCF-style: chr6-123696749-C-T.
Other names: c.1216+1G>A (NM_001407315.1); c.1276+1G>A (NM_001251987.2).
Identifiers: ClinVar variation 1702652 (VCV001702652.2), dbSNP rs2114394892, ClinGen allele CA365566424.

ClinVar aggregate classification (germline): Uncertain significance (1 of 4 stars; one submission).

Allele frequency attached by ClinVar (database versions not stated): gnomAD exomes below 0.00001.
gnomAD v4.1: 1 of 1,533,118 alleles (0.000065%); highest among the groups gnomAD compares: Middle Eastern, 0.017%; no homozygotes.

Submission:

GeneDx
Classification: Uncertain significance. Last evaluated: 2022-02-15. Review status: criteria provided, single submitter. Criteria: GeneDx Variant Classification Process June 2021. Collection method: clinical testing. Allele origin: germline. Affected: yes.
Comment: Not observed at significant frequency in large population cohorts (gnomAD); Non-canonical splice site variant demonstrated to result in loss-of-function in a gene for which loss-of-function is not a well-established mechanism of disease; Has not been previously published as pathogenic or benign to our knowledge